The following is an entry in ClinVar:

NM_000443.4(ABCB4):c.3061A>T (p.Ser1021Cys)

Gene: ABCB4 (ATP binding cassette subfamily B member 4; minus strand). Cytogenetic location: 7q21.12.
Variant type: single nucleotide variant.
Coding change: c.3061A>T on transcript NM_000443.4 (MANE Select); coding-DNA position 3061, A replaced by T.
Protein change: p.Ser1021Cys; replaces serine 1021 with cysteine.
Molecular consequence: missense variant.
Genome position (GRCh38, 1-based): chr7:87,409,256, T>A on the plus strand (A>T on the coding strand, the complement: ABCB4 is on the minus strand). VCF-style: chr7-87409256-T-A. GRCh37 (hg19) VCF-style: chr7-87038572-T-A.
Other names: c.3061A>T, p.Ser1021Cys (NM_018849.3); c.2920A>T, p.Ser974Cys (NM_018850.3); short protein forms S1021C, S974C.
Identifiers: ClinVar variation 3349985 (VCV003349985.1).

ClinVar aggregate classification (germline): Uncertain significance (0 of 4 stars; one submission).

Conditions:
ABCB4-related disorder. Also called: ABCB4-related disorders; ABCB4-related condition.

Submission:

PreventionGenetics, part of Exact Sciences
Classification: Uncertain significance for ABCB4-related condition. Last evaluated: 2024-03-29. Review status: no assertion criteria provided. Collection method: clinical testing. Allele origin: germline.
Comment: The ABCB4 c.3061A>T variant is predicted to result in the amino acid substitution p.Ser1021Cys. To our knowledge, this variant has not been reported in the literature or in a large population database, indicating this variant is rare. At this time, the clinical significance of this variant is uncertain due to the absence of conclusive functional and genetic evidence.